The following is an entry in ClinVar:

NM_005518.4(HMGCS2):c.540G>T (p.Met180Ile)

Gene: HMGCS2 (3-hydroxy-3-methylglutaryl-CoA synthase 2; minus strand). Cytogenetic location: 1p12.
Variant type: single nucleotide variant.
Coding change: c.540G>T on transcript NM_005518.4 (MANE Select); coding-DNA position 540, G replaced by T.
Protein change: p.Met180Ile; replaces methionine 180 with isoleucine.
Molecular consequence: missense variant.
Genome position (GRCh38, 1-based): chr1:119,764,191, C>A on the plus strand (G>T on the coding strand, the complement: HMGCS2 is on the minus strand). VCF-style: chr1-119764191-C-A. GRCh37 (hg19) VCF-style: chr1-120306814-C-A.
Other names: c.540G>T, p.Met180Ile (NM_001166107.1); short protein forms M180I.
Identifiers: ClinVar variation 1391054 (VCV001391054.6), dbSNP rs1161245291, ClinGen allele CA341864004.
Genomic context (GRCh38, chr1:119,764,191, plus strand): 5'-TTCCAGCACCTTTCTTACATAAGGTTCGTGGCCGTACATACCATCCCAGGAACTGGACTC[C>A]ATCCAGTTGGCAGCATTGAAGAGGGAGGCAGTACCACCGTAGCAGGCATTGGTGGTATCT-3'
Protein context (NP_005509.1, residues 170-190): TASLFNAANW[Met180Ile]ESSSWDGRYA

ClinVar aggregate classification (germline): Uncertain significance (1 of 4 stars; one submission).

Conditions:
3-hydroxy-3-methylglutaryl-CoA synthase deficiency (HMGCS2D). Also called: MITOCHONDRIAL HMG-CoA SYNTHASE DEFICIENCY; HMG-CoA synthase-2 deficiency; HMGCS2 DEFICIENCY. Identifiers: Orphanet 35701, MedGen C2751532, MONDO:0011614, OMIM 605911.

Submission:

Labcorp Genetics (formerly Invitae), Labcorp
Classification: Uncertain significance for 3-hydroxy-3-methylglutaryl-CoA synthase deficiency. Last evaluated: 2021-11-03. Review status: criteria provided, single submitter. Criteria: Invitae Variant Classification Sherloc (09022015). Collection method: clinical testing. Allele origin: germline.
Comment: In summary, the available evidence is currently insufficient to determine the role of this variant in disease. Therefore, it has been classified as a Variant of Uncertain Significance. Algorithms developed to predict the effect of missense changes on protein structure and function output the following: SIFT: "Tolerated"; PolyPhen-2: "Benign"; Align-GVGD: "Class C0". The isoleucine amino acid residue is found in multiple mammalian species, which suggests that this missense change does not adversely affect protein function. This variant has not been reported in the literature in individuals affected with HMGCS2-related conditions. This variant is not present in population databases (gnomAD no frequency). This sequence change replaces methionine, which is neutral and non-polar, with isoleucine, which is neutral and non-polar, at codon 180 of the HMGCS2 protein (p.Met180Ile).